The following is an entry in ClinVar:

ClinVar aggregate classification (germline): Pathogenic/Likely pathogenic. Review status: criteria provided, multiple submitters, no conflicts (2 of 4 stars). 10 submissions from 9 submitters: Pathogenic (5); Likely pathogenic (4). 1 of the submissions does not count toward it. Last evaluated 2025-10-01.

Conditions:
von Willebrand disorder (VWD). Also called: Von Willebrand disease (hereditary or acquired); von Willebrand's disease; von Willebrand Diseases. Identifiers: MedGen C0042974, MeSH D014842, MONDO:0024574.
von Willebrand disease type 2 (VWD2). Also called: VON WILLEBRAND DISEASE, TYPE 2A/IIE; VON WILLEBRAND DISEASE, TYPE 2CB; VWD, TYPE 2; VON WILLEBRAND DISEASE, TYPE II. Identifiers: Orphanet 166081, Orphanet 903, MedGen C1264040, MONDO:0013304, OMIM 613554.
von Willebrand disease type 1 (VWD1). Also called: VWD, TYPE 1; VON WILLEBRAND DISEASE, TYPE I. Identifiers: Orphanet 166078, Orphanet 903, MedGen C1264039, MONDO:0008668, OMIM 193400. Inheritance: autosomal recessive or autosomal dominant.

Allele frequency attached by ClinVar (database versions not stated): gnomAD 0.00001; gnomAD exomes 0.00001.
gnomAD v4.1: 3 of 498,246 alleles (0.0006%); highest among the groups gnomAD compares: Admixed American, 0.0036%; no homozygotes.

Submissions (10):

CeGaT Center for Human Genetics Tuebingen
Classification: Likely pathogenic. Last evaluated: 2025-10-01. Review status: criteria provided, single submitter. Criteria: CeGaT Center For Human Genetics Tuebingen Variant Classification Criteria Version 2. Collection method: clinical testing. Allele origin: germline. Affected: yes. Observed: 1 variant allele.
Comment: VWF: PVS1:Strong, PM2, PS4:Moderate, BP4, BP7

Mayo Clinic Laboratories, Mayo Clinic
Classification: Pathogenic. Last evaluated: 2025-09-09. Review status: criteria provided, single submitter. Criteria: ACMG Guidelines, 2015. Collection method: clinical testing. Allele origin: germline. Observed: 2 variant alleles.
Comment: BP4, PP1, PM2_supporting, PS3, PS4_very_strong

Quest Diagnostics Nichols Institute San Juan Capistrano
Classification: Likely pathogenic. Last evaluated: 2025-08-05. Review status: criteria provided, single submitter. Criteria: Quest Diagnostics criteria. Collection method: clinical testing. Allele origin: unknown.
Comment: The VWF c.3390C>T (p.Cys1130=) synonymous variant has been reported in the published literature in individuals and families affected with von Willebrand disease (PMID: 29893454 (2018)), Type 1 or 1H (PMIDs: 17190853 (2007) and 28971901 (2017)), and Type 2A (PMIDs: 35452508 (2022) and 36754679 (2023)). It was also described in individuals having bleeding/platelet disorders (PMID: 31064749 (2019), 32640909 (2020)). Functional studies have also shown that this variant interferes with normal splicing and causes exon 26 skipping (p.Pro1127_Gly1180delinsArg) that results in defective multimerization, secretion, and FVIII binding activity (PMID: 23621778 (2013)). The frequency of this variant in the general population (Genome Aggregation Database) is consistent with pathogenicity. Based on the available information, this variant is classified as likely pathogenic.

Center for Genomic Medicine, Rigshospitalet, Copenhagen University Hospital
Classification: Pathogenic. Last evaluated: 2025-03-04. Review status: criteria provided, single submitter. Criteria: ACMG Guidelines, 2015. Collection method: clinical testing. Allele origin: germline.

Women's Health and Genetics/Laboratory Corporation of America, LabCorp
Classification: Pathogenic for von Willebrand disorder. Last evaluated: 2024-09-17. Review status: criteria provided, single submitter. Criteria: LabCorp Variant Classification Summary - May 2015. Collection method: clinical testing. Allele origin: germline.
Comment: Variant summary: VWF c.3390C>T alters a conserved nucleotide resulting in a synonymous change. Consensus agreement among computation tools predict no significant impact on normal splicing. However, at least one publication reports experimental evidence that this variant affects mRNA splicing, with patients producing both normal transcript and a transcript that skips exon 26, resulting in an in-frame change p.P1127_G1180delinsR (Pagliari_2013). The variant was absent in 54028 control chromosomes (gnomAD). c.3390C>T has been reported in the literature in individuals affected with Von Willebrand Disease (e.g. James_2007, Pagliari_2013). These data indicate that the variant is likely to be associated with disease. At least one publication reports experimental evidence evaluating an impact on protein function, finding that the exon 26 deletion impaired the multimerization process, VWF secretion, and FVIII binding (Pagliari_2013). The following publications have been ascertained in the context of this evaluation (PMID: 23621778, 17190853). ClinVar contains an entry for this variant (Variation ID: 627186). Based on the evidence outlined above, the variant was classified as pathogenic.

GeneDx
Classification: Likely pathogenic. Last evaluated: 2024-05-02. Review status: criteria provided, single submitter. Criteria: GeneDx Variant Classification Process June 2021. Collection method: clinical testing. Allele origin: germline. Affected: yes.
Comment: Not observed at significant frequency in large population cohorts (gnomAD); RNA studies demonstrate a damaging effect: c.3390C>T leads to an in-frame deletion of exon 26 (PMID: 23621778); Published functional studies suggest a damaging effect as a deletion of exon 26 impairs VWF multimerization, secretion, and binding to FVIII (PMID: 23621778); This variant is associated with the following publications: (PMID: 28987708, 35452508, 17190853, 29893454, 23621778, 32640909, 31064749, 28971901, 30361419)

Laboratory of Hematology, Radboud University Medical Center
Classification: Pathogenic for von Willebrand disease type 1. Last evaluated: 2020-12-11. Review status: criteria provided, single submitter. Criteria: ACMG Guidelines, 2015. Collection method: research. Allele origin: germline. Affected: yes. Observed: 7 variant alleles. Study: WIN study.

Laboratory of Hematology, Radboud University Medical Center
Classification: Pathogenic for von Willebrand disease type 2. Last evaluated: 2020-12-11. Review status: criteria provided, single submitter. Criteria: ACMG Guidelines, 2015. Collection method: research. Allele origin: germline. Affected: yes. Observed: 3 variant alleles. Study: WIN study.

NIHR Bioresource Rare Diseases, University of Cambridge
Classification: Likely pathogenic for von Willebrand disease type 1. Last evaluated: 2019-02-01. Review status: criteria provided, single submitter. Criteria: ACMG Guidelines, 2015. Collection method: research. Allele origin: unknown. Affected: yes. Observed: 1 heterozygote. Study: ThromboGenomics.

Angelo Bianchi Bonomi Hemophilia and Thrombosis Center, Fondazione IRCCS Ca Granda Ospedale Maggiore Policlinico
Classification: Pathogenic for von Willebrand disease type 2. Last evaluated: 2022-04-26. Review status: no assertion criteria provided. Collection method: clinical testing. Allele origin: germline. Affected: yes. Not counted in ClinVar's aggregate classification.

Literature cited by the submitters: PubMed 16321553 (cited by Mayo Clinic Laboratories, Mayo Clinic); PubMed 17190853 (cited by 3 submitters); PubMed 23621778 (cited by 4 submitters); PubMed 28971901 (cited by Mayo Clinic Laboratories, Mayo Clinic and Quest Diagnostics Nichols Institute San Juan Capistrano); PubMed 29893454 (cited by 3 submitters); PubMed 29924855 (cited by Mayo Clinic Laboratories, Mayo Clinic); PubMed 31064749 (cited by 4 submitters); PubMed 35452508 (cited by Mayo Clinic Laboratories, Mayo Clinic and Quest Diagnostics Nichols Institute San Juan Capistrano); PubMed 36754679 (cited by Quest Diagnostics Nichols Institute San Juan Capistrano); PubMed 32640909 (cited by Quest Diagnostics Nichols Institute San Juan Capistrano and Center for Genomic Medicine, Rigshospitalet, Copenhagen University Hospital); PubMed 30361419 (cited by Quest Diagnostics Nichols Institute San Juan Capistrano); PubMed 28987708 (cited by Quest Diagnostics Nichols Institute San Juan Capistrano); PubMed 20351307 (cited by Center for Genomic Medicine, Rigshospitalet, Copenhagen University Hospital).

NM_000552.5(VWF):c.3390C>T (p.Cys1130=)

Gene: VWF (von Willebrand factor; minus strand). Cytogenetic location: 12p13.31.
Variant type: single nucleotide variant.
Coding change: c.3390C>T on transcript NM_000552.5 (MANE Select); coding-DNA position 3390, C replaced by T.
Protein change: p.Cys1130=; no amino-acid change (cysteine 1130 retained).
Molecular consequence: synonymous variant.
Genome position (GRCh38, 1-based): chr12:6,022,888, G>A on the plus strand (C>T on the coding strand, the complement: VWF is on the minus strand). VCF-style: chr12-6022888-G-A. GRCh37 (hg19) VCF-style: chr12-6132054-G-A.
Other names: p.C1130C; p.Cys1130=; c.3390C>T (NM_000552.4).
Identifiers: ClinVar variation 627186 (VCV000627186.15), dbSNP rs1591865617, ClinGen allele CA478101454.